The following is an entry in ClinVar:

NM_001330078.2(NRXN1):c.3365-109931_3365-109930insGTC

Gene: NRXN1 (neurexin 1; minus strand). Cytogenetic location: 2p16.3.
Variant type: Insertion.
Coding change: c.3365-109931_3365-109930insGTC on transcript NM_001330078.2 (MANE Select); 109931 bases into the intron before coding-DNA position 3365 through 109930 bases into the intron before coding-DNA position 3365, GTC inserted.
Molecular consequence: intron variant. On other transcripts: inframe insertion (4).
Genome position: GRCh38 VCF-style: chr2-50346900-C-CCGA. GRCh37 (hg19) VCF-style: chr2-50574038-C-CCGA.
Other names: c.49_50insTCG, p.Gly16_Gly17insVal (NM_001330091.2, NM_001330092.2, NM_001330097.2 and 1 more transcripts); c.3254-109931_3254-109930insGTC (NM_001330096.2, NM_001330087.2); c.3299-109931_3299-109930insGTC (NM_001330083.2, NM_001330084.2); c.3284-109931_3284-109930insGTC (NM_001330088.2); c.3362-109931_3362-109930insGTC (NM_001330093.2); c.3353-109931_3353-109930insGTC (NM_001330094.2); c.3314-109931_3314-109930insGTC (NM_001330095.2); c.3341-109931_3341-109930insGTC (NM_001330082.2, NM_001330077.2); and 3 more.
Identifiers: ClinVar variation 1207434 (VCV001207434.5), dbSNP rs1488321830, ClinGen allele CA1030503072.

ClinVar aggregate classification (germline): Conflicting classifications of pathogenicity. Review status: criteria provided, conflicting classifications (1 of 4 stars). 2 submissions from 2 submitters: Uncertain significance (1); Likely benign (1). Last evaluated 2019-12-02.

Conditions:
Inborn genetic diseases. Identifiers: MedGen C0950123, MeSH D030342.

Submissions (2):

GeneDx
Classification: Likely benign. Last evaluated: 2019-12-02. Review status: criteria provided, single submitter. Criteria: GeneDx Variant Classification Process June 2021. Collection method: clinical testing. Allele origin: germline. Affected: yes.
Comment: Has not been previously published as pathogenic or benign to our knowledge

Ambry Genetics
Classification: Uncertain significance for Inborn genetic diseases. Last evaluated: 2019-05-02. Review status: criteria provided, single submitter. Criteria: Ambry Variant Classification Scheme 2023. Collection method: clinical testing. Allele origin: germline.
Comment: The c.49_50insTCG variant (also known as p.G16_G17insV), located in coding exon 1 of the NRXN1 gene, results from an in-frame TCG insertion at nucleotide positions 49 to 50. This results in the insertion of a valine residue between codons 16 and 17. These amino acid positions are well conserved in available vertebrate species. Since supporting evidence is limited at this time, the clinical significance of this alteration remains unclear.